The following is an entry in ClinVar:

ClinVar aggregate classification (germline): Conflicting classifications of pathogenicity. Review status: criteria provided, conflicting classifications (1 of 4 stars). 3 submissions from 3 submitters: Uncertain significance (2); Likely benign (1). Last evaluated 2024-06-17.

Conditions:
Cardiomyopathy (CMYO). Also called: Cardiomyopathies. Identifiers: Orphanet 167848, MedGen C0878544, MONDO:0004994, HP:0001638. Inheritance: Various modes of inheritance.
Cardiovascular phenotype. Identifiers: MedGen CN230736.
Catecholaminergic polymorphic ventricular tachycardia 1. Also called: VENTRICULAR TACHYCARDIA, STRESS-INDUCED POLYMORPHIC 1; RYR2-Related Catecholaminergic Polymorphic Ventricular Tachycardia; VENTRICULAR TACHYCARDIA, CATECHOLAMINERGIC POLYMORPHIC, 1, WITH OR WITHOUT ATRIAL DYSFUNCTION AND/OR DILATED CARDIOMYOPATHY. Identifiers: Orphanet 3286, MedGen C1631597, MONDO:0011484, OMIM 604772.

Allele frequency attached by ClinVar (database versions not stated): ExAC 0.00001; gnomAD 0.00001.
gnomAD v4.1: 1 of 1,613,632 alleles (0.000062%); highest among the groups gnomAD compares: East Asian, 0.0022%; no homozygotes.

Submissions (3):

Color Diagnostics, LLC DBA Color Health
Classification: Uncertain significance for Cardiomyopathy. Last evaluated: 2024-06-17. Review status: criteria provided, single submitter. Criteria: ACMG Guidelines, 2015. Collection method: clinical testing. Allele origin: germline.
Comment: This missense variant replaces glycine with glutamic acid at codon 2019 of the RYR2 protein. Computational prediction suggests that this variant may not impact protein structure and function (internally defined REVEL score threshold <= 0.5, PMID: 27666373). To our knowledge, functional studies have not been reported for this variant. This variant has not been reported in individuals affected with RYR2-related disorders in the literature. This variant has been identified in 2/280486 chromosomes in the general population by the Genome Aggregation Database (gnomAD). The available evidence is insufficient to determine the role of this variant in disease conclusively. Therefore, this variant is classified as a Variant of Uncertain Significance.

Ambry Genetics
Classification: Uncertain significance for Cardiovascular phenotype. Last evaluated: 2024-06-13. Review status: criteria provided, single submitter. Criteria: Ambry Variant Classification Scheme 2023. Collection method: clinical testing. Allele origin: germline.
Comment: The p.G2019E variant (also known as c.6056G>A), located in coding exon 40 of the RYR2 gene, results from a G to A substitution at nucleotide position 6056. The glycine at codon 2019 is replaced by glutamic acid, an amino acid with similar properties. This amino acid position is highly conserved in available vertebrate species. In addition, the in silico prediction for this alteration is inconclusive. Based on the available evidence, the clinical significance of this variant remains unclear.

Labcorp Genetics (formerly Invitae), Labcorp
Classification: Likely benign for Catecholaminergic polymorphic ventricular tachycardia 1. Last evaluated: 2022-08-09. Review status: criteria provided, single submitter. Criteria: Invitae Variant Classification Sherloc (09022015). Collection method: clinical testing. Allele origin: germline.

NM_001035.3(RYR2):c.6056G>A (p.Gly2019Glu)

Gene: RYR2 (ryanodine receptor 2; plus strand). Cytogenetic location: 1q43.
Variant type: single nucleotide variant.
Coding change: c.6056G>A on transcript NM_001035.3 (MANE Select); coding-DNA position 6056, G replaced by A.
Protein change: p.Gly2019Glu; replaces glycine 2019 with glutamic acid.
Molecular consequence: missense variant.
Genome position (GRCh38, 1-based): chr1:237,625,694, G>A. VCF-style: chr1-237625694-G-A. GRCh37 (hg19) VCF-style: chr1-237788994-G-A.
Other names: c.6056G>A (NM_001035.2); short protein forms G2019E.
Identifiers: ClinVar variation 2167684 (VCV002167684.6), dbSNP rs776327537, ClinGen allele CA087041.